The following is an entry in ClinVar:

NM_001018115.3(FANCD2):c.4281+16C>T

Genes: FANCD2 (FA complementation group D2; plus strand), FANCD2OS (FANCD2 opposite strand; minus strand). Cytogenetic location: 3p25.3.
Variant type: single nucleotide variant.
Coding change: c.4281+16C>T on transcript NM_001018115.3 (MANE Select); 16 bases into the intron after coding-DNA position 4281, C replaced by T.
Molecular consequence: intron variant. On other transcripts: missense variant (2).
Genome position (GRCh38, 1-based): chr3:10,098,831, C>T. VCF-style: chr3-10098831-C-T. GRCh37 (hg19) VCF-style: chr3-10140515-C-T.
Other names: c.4281+16C>T (NM_001319984.2); c.4170+16C>T (NM_001374253.1); c.*43+5367G>A (NM_173472.2); c.4258C>T, p.Pro1420Ser (NM_001374254.1); c.4297C>T, p.Pro1433Ser (NM_033084.6); short protein forms P1433S, P1420S.
Identifiers: ClinVar variation 1420801 (VCV001420801.6), dbSNP rs1695133266, ClinGen allele CA351759010.
Genomic context (GRCh38, chr3:10,098,831, plus strand): 5'-GAGGATGACATGTCATCCCAGGCCTCCAAGAGCAAAGCCACTGAGGTATCTCTACAAAAC[C>T]CACCAGAGTCTGGCACTGATGGTTGCATTTTGTTAATTGTTCTAAGTTGGTGGAGCAGAA-3'

ClinVar aggregate classification (germline): Uncertain significance (1 of 4 stars; one submission).

Conditions:
Fanconi anemia (FA). Also called: Fanconi's anemia. Identifiers: Orphanet 84, MedGen C0015625, MeSH D005199, MONDO:0019391.

Submission:

Labcorp Genetics (formerly Invitae), Labcorp
Classification: Uncertain significance for Fanconi anemia. Last evaluated: 2021-08-30. Review status: criteria provided, single submitter. Criteria: Invitae Variant Classification Sherloc (09022015). Collection method: clinical testing. Allele origin: germline.
Comment: In summary, the available evidence is currently insufficient to determine the role of this variant in disease. Therefore, it has been classified as a Variant of Uncertain Significance. Algorithms developed to predict the effect of missense changes on protein structure and function (SIFT, PolyPhen-2, Align-GVGD) all suggest that this variant is likely to be tolerated. This variant has not been reported in the literature in individuals affected with FANCD2-related conditions. This variant is not present in population databases (ExAC no frequency). This sequence change replaces proline with serine at codon 1433 of the FANCD2 protein (p.Pro1433Ser). The proline residue is weakly conserved and there is a moderate physicochemical difference between proline and serine.